The following is an entry in ClinVar:

NM_000548.5(TSC2):c.2656G>A (p.Val886Met)

Gene: TSC2 (TSC complex subunit 2; plus strand). Cytogenetic location: 16p13.3.
Variant type: single nucleotide variant.
Coding change: c.2656G>A on transcript NM_000548.5 (MANE Select); coding-DNA position 2656, G replaced by A.
Protein change: p.Val886Met; replaces valine 886 with methionine.
Molecular consequence: missense variant.
Genome position (GRCh38, 1-based): chr16:2,076,084, G>A. VCF-style: chr16-2076084-G-A. GRCh37 (hg19) VCF-style: chr16-2126085-G-A.
Other names: c.2656G>A, p.Val886Met (NM_001077183.3, NM_001114382.3, NM_001363528.2 and 3 more transcripts); c.2545G>A, p.Val849Met (NM_001318827.2); c.2509G>A, p.Val837Met (NM_001318829.2); c.2056G>A, p.Val686Met (NM_001318831.2); c.2689G>A, p.Val897Met (NM_001318832.2); short protein forms V686M, V837M, V849M, V886M, V897M.
Identifiers: ClinVar variation 843014 (VCV000843014.14), dbSNP rs999523698, ClinGen allele CA276741693.
Genomic context (GRCh38, chr16:2,076,084, plus strand): 5'-TTCCCTGCTGCCAGGATGGAGTGCCAGCCCCCTTCTCATCTCAGGTTTAATCAGTACATC[G>A]TGTGTCTGGCCCATCACGTCATAGCCATGTGGTTCATCAGGTGCCGCCTGCCCTTCCGGA-3'
Protein context (NP_000539.2, residues 876-896): TNPSKFNQYI[Val886Met]CLAHHVIAMW

ClinVar aggregate classification (germline): Conflicting classifications of pathogenicity. Review status: criteria provided, conflicting classifications (1 of 4 stars). 6 submissions from 6 submitters: Uncertain significance (5); Likely benign (1). Last evaluated 2025-05-07.

Conditions:
Isolated focal cortical dysplasia type II (FCORD2). Also called: CORTICAL DYSPLASIA OF TAYLOR; Focal cortical dysplasia type II. Identifiers: Orphanet 268994, MedGen C1846385, MONDO:0011818, OMIM 607341, HP:0032051.
Congenital anomaly of kidney and urinary tract. Also called: Congenital anomalies of the kidney and urinary tract; Congenital anomalies of kidney and urinary tract. Identifiers: Orphanet 93545, MedGen C1968949, MeSH C566906, MONDO:0019719.
Tuberous sclerosis syndrome (TSC). Also called: Tuberous Sclerosis Complex; Tuberous sclerosis. Identifiers: Orphanet 805, MedGen C0041341, MONDO:0001734.
Tuberous sclerosis 2 (TSC2). Identifiers: Orphanet 805, MedGen C1860707, MONDO:0013199, OMIM 613254.
Hereditary cancer-predisposing syndrome. Also called: Neoplastic Syndromes, Hereditary; Hereditary neoplastic syndrome; Tumor predisposition; Hereditary Cancer Syndrome. Identifiers: Orphanet 140162, MedGen C0027672, MeSH D009386, MONDO:0015356.

Allele frequency attached by ClinVar (database versions not stated): gnomAD exomes below 0.00001; TOPMed below 0.00001.
gnomAD v4.1: 14 of 1,613,890 alleles (0.00087%); highest among the groups gnomAD compares: Non-Finnish European, 0.0012%; no homozygotes.

Submissions (6):

Labcorp Genetics (formerly Invitae), Labcorp
Classification: Likely benign for Tuberous sclerosis 2. Last evaluated: 2025-05-07. Review status: criteria provided, single submitter. Criteria: Invitae Variant Classification Sherloc (09022015). Collection method: clinical testing. Allele origin: germline.

Ambry Genetics
Classification: Uncertain significance for Hereditary cancer-predisposing syndrome. Last evaluated: 2025-04-03. Review status: criteria provided, single submitter. Criteria: Ambry Variant Classification Scheme 2023. Collection method: clinical testing. Allele origin: germline.
Comment: The p.V886M variant (also known as c.2656G>A), located in coding exon 23 of the TSC2 gene, results from a G to A substitution at nucleotide position 2656. The valine at codon 886 is replaced by methionine, an amino acid with highly similar properties. This amino acid position is highly conserved in available vertebrate species. In addition, this alteration is predicted to be deleterious by in silico analysis. Since supporting evidence is limited at this time, the clinical significance of this alteration remains unclear.

GeneDx
Classification: Uncertain significance. Last evaluated: 2024-02-18. Review status: criteria provided, single submitter. Criteria: GeneDx Variant Classification Process June 2021. Collection method: clinical testing. Allele origin: germline. Affected: yes.
Comment: In silico analysis supports that this missense variant has a deleterious effect on protein structure/function; Has not been previously published as pathogenic or benign to our knowledge

Baylor Genetics
Classification: Uncertain significance for Isolated focal cortical dysplasia type II. Last evaluated: 2023-08-20. Review status: criteria provided, single submitter. Criteria: ACMG Guidelines, 2015. Collection method: clinical testing. Allele origin: unknown.

All of Us Research Program, National Institutes of Health
Classification: Uncertain significance for Tuberous sclerosis syndrome. Last evaluated: 2023-04-27. Review status: criteria provided, single submitter. Criteria: ACMG Guidelines, 2015. Collection method: clinical testing. Allele origin: germline. Inheritance: Autosomal dominant inheritance. Observed: 1 variant allele, 1 heterozygote.
Comment: This study involves interpretation of variants in research participants for the purpose of population health screening. Participant phenotype was not available at the time of variant classification. Additional details can be found in publication PMID: 35346344, PMCID: PMC8962531

Cambridge Genomics Laboratory, East Genomic Laboratory Hub, NHS Genomic Medicine Service
Classification: Uncertain significance for Congenital anomaly of kidney and urinary tract. Last evaluated: 2019-11-13. Review status: criteria provided, single submitter. Criteria: ACGS Best Practice Guidelines for Variant Classification in Rare Disease 2020. Collection method: clinical testing. Allele origin: germline. Affected: yes. Observed: 1 variant allele.